The following is an entry in ClinVar:

ClinVar aggregate classification (germline): Uncertain significance (1 of 4 stars; one submission).

Conditions:
Oocyte maturation defect 6. Also called: OOCYTE/ZYGOTE/EMBRYO MATURATION ARREST 6. Identifiers: MedGen C5193047, MONDO:0032696, OMIM 618353.

Submission:

Juno Genomics, Hangzhou Juno Genomics, Inc
Classification: Uncertain significance for Oocyte maturation defect 6. Review status: criteria provided, single submitter. Criteria: ACMG Guidelines, 2015. Collection method: clinical testing. Allele origin: germline. Affected: yes.
Comment: Absent from controls (or at extremely low frequency if recessive) in Genome Aggregation Database, Exome Sequencing Project, 1000 Genomes Project, or Exome Aggregation Consortium.;Patient's phenotype or family history is highly specific for a disease with a single genetic etiology.

NM_001376232.1(ZP2):c.2226_2227del (p.Ser743fs)

Gene: ZP2 (zona pellucida glycoprotein 2; minus strand). Cytogenetic location: 16p12.3.
Variant type: Microsatellite.
Coding change: c.2226_2227del on transcript NM_001376232.1 (MANE Select); coding-DNA positions 2226 to 2227, 2 bases deleted (GT; older notation c.2226_2227delGT).
Protein change: p.Ser743fs; shifts the reading frame from serine 743.
Molecular consequence: frameshift variant. On other transcripts: non-coding transcript variant (1).
Genome position (GRCh38, 1-based): chr16:21,197,491-21,197,492, AC deleted on the plus strand (GT on the coding strand, the reverse complement: ZP2 is on the minus strand); deleting any 2 consecutive bases within chr16:21,197,491-21,197,495 gives the same sequence; the c. name uses the placement nearest the transcript's 3' end. VCF-style (leftmost placement, unchanged base first): chr16-21197490-GAC-G. GRCh37 (hg19) VCF-style: chr16-21208811-GAC-G.
Other names: c.2199_2200del, p.Ser734fs (NM_001376231.1); c.2259_2260del, p.Ser754fs (NM_001376233.1); c.2226_2227del, p.Ser743fs (NM_003460.2); short protein forms S734fs, S743fs, S754fs.
Identifiers: ClinVar variation 4796612 (VCV004796612.1).